The following is an entry in ClinVar:

NM_052876.4(NACC1):c.571A>G (p.Lys191Glu)

Gene: NACC1 (nucleus accumbens associated 1; plus strand). Cytogenetic location: 19p13.13.
Variant type: single nucleotide variant.
Coding change: c.571A>G on transcript NM_052876.4 (MANE Select); coding-DNA position 571, A replaced by G.
Protein change: p.Lys191Glu; replaces lysine 191 with glutamic acid.
Molecular consequence: missense variant.
Genome position (GRCh38, 1-based): chr19:13,135,778, A>G. VCF-style: chr19-13135778-A-G. GRCh37 (hg19) VCF-style: chr19-13246592-A-G.
Other names: short protein forms K191E.
Identifiers: ClinVar variation 4726818 (VCV004726818.1).

ClinVar aggregate classification (germline): Uncertain significance (1 of 4 stars; one submission).

Submission:

Labcorp Genetics (formerly Invitae), Labcorp
Classification: Uncertain significance. Last evaluated: 2025-06-23. Review status: criteria provided, single submitter. Criteria: Invitae Variant Classification Sherloc (09022015). Collection method: clinical testing. Allele origin: germline.
Comment: This sequence change replaces lysine, which is basic and polar, with glutamic acid, which is acidic and polar, at codon 191 of the NACC1 protein (p.Lys191Glu). This variant is not present in population databases (gnomAD no frequency). This variant has not been reported in the literature in individuals affected with NACC1-related conditions. Invitae Evidence Modeling of protein sequence and biophysical properties (such as structural, functional, and spatial information, amino acid conservation, physicochemical variation, residue mobility, and thermodynamic stability) indicates that this missense variant is not expected to disrupt NACC1 protein function with a negative predictive value of 80%. In summary, the available evidence is currently insufficient to determine the role of this variant in disease. Therefore, it has been classified as a Variant of Uncertain Significance.